The following is an entry in ClinVar:

NM_001854.4(COL11A1):c.1568C>G (p.Ala523Gly)

Gene: COL11A1 (collagen type XI alpha 1 chain; minus strand). Cytogenetic location: 1p21.1.
Variant type: single nucleotide variant.
Coding change: c.1568C>G on transcript NM_001854.4 (MANE Select); coding-DNA position 1568, C replaced by G.
Protein change: p.Ala523Gly; replaces alanine 523 with glycine.
Molecular consequence: missense variant. On other transcripts: non-coding transcript variant (1).
Genome position (GRCh38, 1-based): chr1:103,014,515, G>C on the plus strand (C>G on the coding strand, the complement: COL11A1 is on the minus strand). VCF-style: chr1-103014515-G-C. GRCh37 (hg19) VCF-style: chr1-103480071-G-C.
Other names: c.1451C>G, p.Ala484Gly (NM_001190709.2); c.1604C>G, p.Ala535Gly (NM_080629.3); c.1220C>G, p.Ala407Gly (NM_080630.4); short protein forms A407G, A484G, A523G, A535G.
Identifiers: ClinVar variation 989250 (VCV000989250.4), dbSNP rs776610122, ClinGen allele CA341179023.

ClinVar aggregate classification (germline): Uncertain significance (1 of 4 stars; one submission).

Conditions:
Stickler syndrome type 2 (STL2). Also called: COL11A1-Related Stickler Syndrome; STICKLER SYNDROME, TYPE II; STICKLER SYNDROME, BEADED VITREOUS TYPE; STICKLER SYNDROME, VITREOUS TYPE 2. Identifiers: Orphanet 828, Orphanet 90654, MedGen C1858084, MONDO:0011493, OMIM 604841.

Submission:

Illumina Laboratory Services, Illumina
Classification: Uncertain significance for Stickler syndrome type 2. Last evaluated: 2019-03-14. Review status: criteria provided, single submitter. Criteria: ICSLVariantClassificationCriteria RUGD 01 April 2020. Collection method: clinical testing. Allele origin: unknown.
Comment: The COL11A1 c.1604C>G (p.Ala535Gly) variant is a missense variant. A literature search was performed for the gene, cDNA change, and amino acid change. No publications were found based on this search. This variant is not found in the Genome Aggregation Database in a region of good sequence coverage so the variant is presumed to be rare. Based on the limited evidence, the p.Ala535Gly variant is classified as a variant of uncertain significance for Stickler syndrome.